The following is an entry in ClinVar:

NM_031296.3(RAB33B):c.*254A>G

Gene: RAB33B (RAB33B, member RAS oncogene family; plus strand). Cytogenetic location: 4q31.1.
Variant type: single nucleotide variant.
Coding change: c.*254A>G on transcript NM_031296.3 (MANE Select); 254 bases downstream of the stop codon, A replaced by G.
Molecular consequence: 3 prime UTR variant.
Genome position (GRCh38, 1-based): chr4:139,473,380, A>G. VCF-style: chr4-139473380-A-G. GRCh37 (hg19) VCF-style: chr4-140394534-A-G.
Identifiers: ClinVar variation 347571 (VCV000347571.7), dbSNP rs78192594, ClinGen allele CA10617959.
Genomic context (GRCh38, chr4:139,473,380, plus strand): 5'-GTGAGATTGAAAATGAAGCAAAGATAGGATGAATCTGAACATCTCTCCATCTAGAGCCCA[A>G]TGAAGGAAGCTTCAAATGAGAACATGATGGAATCAGTAACCATTCAATCTTTTGTCCTAG-3'

ClinVar aggregate classification (germline): Benign/Likely benign. Review status: criteria provided, multiple submitters, no conflicts (2 of 4 stars). 3 submissions from 3 submitters: Benign (1); Likely benign (2). Last evaluated 2021-06-20.

Conditions:
Smith-McCort dysplasia 2 (SMC2). Identifiers: MedGen C3714896, MONDO:0014087, OMIM 615222.

Allele frequency attached by ClinVar (database versions not stated): 1000 Genomes Project 0.01577; 1000 Genomes Project 30x 0.01608; TOPMed 0.03524; gnomAD 0.03930 and 0.04128; gnomAD exomes 0.04728.
gnomAD v4.1: 20,186 of 453,864 alleles (4.4%); highest among the groups gnomAD compares: Non-Finnish European, 6.2%; 626 homozygotes.

Submissions (3):

GeneDx
Classification: Benign. Last evaluated: 2021-06-20. Review status: criteria provided, single submitter. Criteria: GeneDx Variant Classification Process June 2021. Collection method: clinical testing. Allele origin: germline. Affected: yes.

Illumina Laboratory Services, Illumina
Classification: Likely benign for Smith-McCort dysplasia 2. Last evaluated: 2017-04-27. Review status: criteria provided, single submitter. Criteria: ICSL Variant Classification Criteria 13 December 2019. Collection method: clinical testing. Allele origin: germline.
Comment: This variant was observed as part of a predisposition screen in an ostensibly healthy population. A literature search was performed for the gene, cDNA change, and amino acid change (where applicable). No publications were found based on this search. Allele frequency data from public databases allowed determination this variant is unlikely to cause disease. Therefore, this variant is classified as likely benign.

Breakthrough Genomics
Classification: Likely benign. Review status: criteria provided, single submitter. Criteria: ACMG Guidelines, 2015. Collection method: not provided. Allele origin: germline. Inheritance: Autosomal recessive inheritance. Affected: yes.